The following is an entry in ClinVar:

ClinVar aggregate classification (germline): Uncertain significance (1 of 4 stars; one submission).

Conditions:
Progressive myoclonic epilepsy type 7. Identifiers: Orphanet 435438, MedGen C4015420, MONDO:0014521, OMIM 616187.

gnomAD v4.1: 2 of 1,614,256 alleles (0.00012%); highest among the groups gnomAD compares: Non-Finnish European, 0.000085%; no homozygotes.

Submission:

Labcorp Genetics (formerly Invitae), Labcorp
Classification: Uncertain significance for Progressive myoclonic epilepsy type 7. Last evaluated: 2023-04-12. Review status: criteria provided, single submitter. Criteria: Invitae Variant Classification Sherloc (09022015). Collection method: clinical testing. Allele origin: germline.
Comment: In summary, the available evidence is currently insufficient to determine the role of this variant in disease. Therefore, it has been classified as a Variant of Uncertain Significance. Advanced modeling of protein sequence and biophysical properties (such as structural, functional, and spatial information, amino acid conservation, physicochemical variation, residue mobility, and thermodynamic stability) performed at Invitae indicates that this missense variant is not expected to disrupt KCNC1 protein function. ClinVar contains an entry for this variant (Variation ID: 1051707). This variant has not been reported in the literature in individuals affected with KCNC1-related conditions. This variant is not present in population databases (gnomAD no frequency). This sequence change replaces tyrosine, which is neutral and polar, with histidine, which is basic and polar, at codon 236 of the KCNC1 protein (p.Tyr236His).

NM_001112741.2(KCNC1):c.706T>C (p.Tyr236His)

Gene: KCNC1 (potassium voltage-gated channel subfamily C member 1; plus strand). Cytogenetic location: 11p15.1.
Variant type: single nucleotide variant.
Coding change: c.706T>C on transcript NM_001112741.2 (MANE Select); coding-DNA position 706, T replaced by C.
Protein change: p.Tyr236His; replaces tyrosine 236 with histidine.
Molecular consequence: missense variant.
Genome position (GRCh38, 1-based): chr11:17,771,800, T>C. VCF-style: chr11-17771800-T-C. GRCh37 (hg19) VCF-style: chr11-17793347-T-C.
Other names: c.706T>C, p.Tyr236His (NM_004976.4); short protein forms Y236H.
Identifiers: ClinVar variation 1051707 (VCV001051707.10), dbSNP rs1849232996, ClinGen allele CA379805874.